The following is an entry in ClinVar:

NM_000350.3(ABCA4):c.3291A>G (p.Arg1097=)

Gene: ABCA4 (ATP binding cassette subfamily A member 4; minus strand). Cytogenetic location: 1p22.1.
Variant type: single nucleotide variant.
Coding change: c.3291A>G on transcript NM_000350.3 (MANE Select); coding-DNA position 3291, A replaced by G.
Protein change: p.Arg1097=; no amino-acid change (arginine 1097 retained).
Molecular consequence: synonymous variant.
Genome position (GRCh38, 1-based): chr1:94,042,798, T>C on the plus strand (A>G on the coding strand, the complement: ABCA4 is on the minus strand). VCF-style: chr1-94042798-T-C. GRCh37 (hg19) VCF-style: chr1-94508354-T-C.
Other names: c.3069A>G, p.Arg1023= (NM_001425324.1).
Identifiers: ClinVar variation 99215 (VCV000099215.26), dbSNP rs61750118, ClinGen allele CA227102.

ClinVar aggregate classification (germline): Likely benign. Review status: criteria provided, multiple submitters, no conflicts (2 of 4 stars). 4 submissions from 4 submitters: Likely benign (3). 1 of the submissions does not count toward it. Last evaluated 2024-10-01.

Allele frequency attached by ClinVar (database versions not stated): gnomAD 0.00002; gnomAD exomes 0.00002; TOPMed 0.00002; ExAC 0.00004; ESP Exome Variant Server 0.00008.
gnomAD v4.1: 27 of 1,614,038 alleles (0.0017%); highest among the groups gnomAD compares: Non-Finnish European, 0.0019%; no homozygotes.

Submissions (4):

CeGaT Center for Human Genetics Tuebingen
Classification: Likely benign. Last evaluated: 2024-10-01. Review status: criteria provided, single submitter. Criteria: CeGaT Center For Human Genetics Tuebingen Variant Classification Criteria Version 2. Collection method: clinical testing. Allele origin: germline. Affected: yes. Observed: 1 variant allele.
Comment: ABCA4: BP4, BP7

Labcorp Genetics (formerly Invitae), Labcorp
Classification: Likely benign. Last evaluated: 2024-03-19. Review status: criteria provided, single submitter. Criteria: Invitae Variant Classification Sherloc (09022015). Collection method: clinical testing. Allele origin: germline.

Blueprint Genetics
Classification: Likely benign. Last evaluated: 2022-02-09. Review status: criteria provided, single submitter. Criteria: ACMG Guidelines, 2015. Collection method: clinical testing. Allele origin: germline.

Retina International
No classification provided. Review status: no classification provided. Collection method: not provided. Allele origin: not provided. Not counted in ClinVar's aggregate classification.